The following is an entry in ClinVar:

NM_006904.7(PRKDC):c.7024T>G (p.Cys2342Gly)

Gene: PRKDC (protein kinase, DNA-activated, catalytic subunit; minus strand). Cytogenetic location: 8q11.21.
Variant type: single nucleotide variant.
Coding change: c.7024T>G on transcript NM_006904.7 (MANE Select); coding-DNA position 7024, T replaced by G.
Protein change: p.Cys2342Gly; replaces cysteine 2342 with glycine.
Molecular consequence: missense variant.
Genome position (GRCh38, 1-based): chr8:47,849,485, A>C on the plus strand (T>G on the coding strand, the complement: PRKDC is on the minus strand). VCF-style: chr8-47849485-A-C. GRCh37 (hg19) VCF-style: chr8-48762046-A-C.
Other names: c.7024T>G, p.Cys2342Gly (NM_001081640.2); short protein forms C2342G.
Identifiers: ClinVar variation 1346811 (VCV001346811.5), dbSNP rs755397534, ClinGen allele CA4740191.

ClinVar aggregate classification (germline): Uncertain significance (1 of 4 stars; one submission).

Conditions:
Severe combined immunodeficiency due to DNA-PKcs deficiency. Also called: IMMUNODEFICIENCY 26 WITH NEUROLOGIC ABNORMALITIES; Immunodeficiency 26 with or without neurologic abnormalities. Identifiers: Orphanet 317425, MedGen C4014833, MONDO:0014423, OMIM 615966.

Allele frequency attached by ClinVar (database versions not stated): gnomAD 0.00001.
gnomAD v4.1: 29 of 1,613,844 alleles (0.0018%); highest among the groups gnomAD compares: Non-Finnish European, 0.0025%; no homozygotes.

Submission:

Labcorp Genetics (formerly Invitae), Labcorp
Classification: Uncertain significance for Severe combined immunodeficiency due to DNA-PKcs deficiency. Last evaluated: 2021-11-18. Review status: criteria provided, single submitter. Criteria: Invitae Variant Classification Sherloc (09022015). Collection method: clinical testing. Allele origin: germline.
Comment: In summary, the available evidence is currently insufficient to determine the role of this variant in disease. Therefore, it has been classified as a Variant of Uncertain Significance. Experimental studies and prediction algorithms are not available or were not evaluated, and the functional significance of this variant is currently unknown. This variant has not been reported in the literature in individuals affected with PRKDC-related conditions. This variant is present in population databases (rs755397534, gnomAD 0.004%). This sequence change replaces cysteine, which is neutral and slightly polar, with glycine, which is neutral and non-polar, at codon 2342 of the PRKDC protein (p.Cys2342Gly).